The following is an entry in ClinVar:

NM_002241.5(KCNJ10):c.179T>C (p.Ile60Thr)

Gene: KCNJ10 (potassium inwardly rectifying channel subfamily J member 10; minus strand). Cytogenetic location: 1q23.2.
Variant type: single nucleotide variant.
Coding change: c.179T>C on transcript NM_002241.5 (MANE Select); coding-DNA position 179, T replaced by C.
Protein change: p.Ile60Thr; replaces isoleucine 60 with threonine.
Molecular consequence: missense variant.
Genome position (GRCh38, 1-based): chr1:160,042,354, A>G on the plus strand (T>C on the coding strand, the complement: KCNJ10 is on the minus strand). VCF-style: chr1-160042354-A-G. GRCh37 (hg19) VCF-style: chr1-160012144-A-G.
Other names: p.I60T:ATT>ACT; short protein forms I60T.
Identifiers: ClinVar variation 205826 (VCV000205826.43), dbSNP rs759993423, ClinGen allele CA315278.

ClinVar aggregate classification (germline): Conflicting classifications of pathogenicity. Review status: criteria provided, conflicting classifications (1 of 4 stars). 6 submissions from 6 submitters: Pathogenic (1); Likely pathogenic (3); Uncertain significance (2). Last evaluated 2026-04-01.

Conditions:
Autosomal recessive nonsyndromic hearing loss 4 (DFNB4). Also called: Enlarged vestibular aqueduct, digenic; DEAFNESS, AUTOSOMAL RECESSIVE 4, WITH ENLARGED VESTIBULAR AQUEDUCT, DIGENIC; Nonsyndromic enlarged vestibular aqueduct (NSEVA); Deafness, autosomal recessive 4, with enlarged vestibular aqueduct; Deafness, autosomal recessive 4; FOXI1-Related Pendred Syndrome. Identifiers: Orphanet 90636, MedGen C3538946, MONDO:0010933, OMIM 600791.
EAST syndrome (SESAMES). Also called: SEIZURES, SENSORINEURAL DEAFNESS, ATAXIA, IMPAIRED INTELLECTUAL DEVELOPMENT, AND ELECTROLYTE IMBALANCE. Identifiers: Orphanet 199343, MedGen C2748572, MONDO:0013005, OMIM 612780.
Inborn genetic diseases. Identifiers: MedGen C0950123, MeSH D030342.

Allele frequency attached by ClinVar (database versions not stated): ExAC 0.00001; gnomAD 0.00001; gnomAD exomes 0.00001 and 0.00002; TOPMed 0.00003.
gnomAD v4.1: 31 of 1,613,210 alleles (0.0019%); highest among the groups gnomAD compares: Non-Finnish European, 0.0024%; no homozygotes.

Submissions (6):

Department of Genetics, Sultan Qaboos University Hospital
Classification: Likely pathogenic for EAST syndrome. Last evaluated: 2026-04-01. Review status: criteria provided, single submitter. Criteria: ACMG Guidelines, 2015. Collection method: clinical testing. Allele origin: germline. Affected: yes. Observed: 1 variant allele.
Comment: PM2_Supporting, PP3_Moderate, PP1_Strong, PP4_Supporting

Labcorp Genetics (formerly Invitae), Labcorp
Classification: Pathogenic for EAST syndrome. Last evaluated: 2025-12-19. Review status: criteria provided, single submitter. Criteria: Invitae Variant Classification Sherloc (09022015). Collection method: clinical testing. Allele origin: germline.
Comment: This sequence change replaces isoleucine, which is neutral and non-polar, with threonine, which is neutral and polar, at codon 60 of the KCNJ10 protein (p.Ile60Thr). This variant is present in population databases (rs759993423, gnomAD 0.01%). This missense change has been observed in individual(s) with clinical features of KCNJ10-related conditions (PMID: 29191078). It has also been observed to segregate with disease in related individuals. ClinVar contains an entry for this variant (Variation ID: 205826). Invitae Evidence Modeling of protein sequence and biophysical properties (such as structural, functional, and spatial information, amino acid conservation, physicochemical variation, residue mobility, and thermodynamic stability) has been performed for this missense variant. However, the output from this modeling did not meet the statistical confidence thresholds required to predict the impact of this variant on KCNJ10 protein function. For these reasons, this variant has been classified as Pathogenic.

Fulgent Genetics
Classification: Likely pathogenic for Autosomal recessive nonsyndromic hearing loss 4; EAST syndrome. Last evaluated: 2024-02-15. Review status: criteria provided, single submitter. Criteria: ACMG Guidelines, 2015. Collection method: clinical testing. Allele origin: germline.

CeGaT Center for Human Genetics Tuebingen
Classification: Likely pathogenic. Last evaluated: 2023-10-01. Review status: criteria provided, single submitter. Criteria: CeGaT Center For Human Genetics Tuebingen Variant Classification Criteria Version 2. Collection method: clinical testing. Allele origin: germline. Affected: yes. Observed: 2 variant alleles.
Comment: KCNJ10: PP1:Strong, PM2, PM5, PS4:Supporting

Ambry Genetics
Classification: Uncertain significance for Inborn genetic diseases. Last evaluated: 2016-07-24. Review status: criteria provided, single submitter. Criteria: Ambry Variant Classification Scheme 2023. Collection method: clinical testing. Allele origin: germline.
Comment: The p.I60T variant (also known as c.179T>C), located in coding exon 1 of the KCNJ10 gene, results from a T to C substitution at nucleotide position 179. The isoleucine at codon 60 is replaced by threonine, an amino acid with similar properties. This variant was not reported in population based cohorts in the following databases: Database of Single Nucleotide Polymorphisms (dbSNP), NHLBI Exome Sequencing Project (ESP), and 1000 Genomes Project. In the ESP, this variant was not observed in 6503 samples (13006 alleles) with coverage at this position. This amino acid position is well conserved in available vertebrate species. In addition, this alteration is predicted to be deleterious by in silico analysis. Since supporting evidence is limited at this time, the clinical significance of this alteration remains unclear.

GeneDx
Classification: Uncertain significance. Last evaluated: 2015-01-16. Review status: criteria provided, single submitter. Criteria: GeneDx Variant Classification (06012015). Collection method: clinical testing. Allele origin: germline. Affected: yes.
Comment: p.Ile60Thr (ATT>ACT): c.179 T>C in exon 2 of the KCNJ10 gene (NM_002241.4). A variant of unknown significance has been identified in the KCNJ10 gene. The I60T variant has not been published as a mutation, nor has it been reported as a benign polymorphism to our knowledge. It was not observed in approximately 6,500 individuals of European and African American ancestry in the NHLBI Exome Sequencing Project, indicating it is not a common benign variant in these populations. The I60T variant is a non-conservative amino acid substitution, which is likely to impact secondary protein structure as these residues differ in polarity, charge, size and/or other properties. This substitution occurs at a position that is conserved through mammals. In silico analysis predicts this variant is probably damaging to the protein structure/function. Therefore, based on the currently available information, it is unclear whether this variant is a pathogenic mutation or a rare benign variant. The variant is found in CHILD-EPI,EPILEPSY panel(s).

Literature cited by the submitters: PubMed 29191078 (cited by Labcorp Genetics (formerly Invitae), Labcorp).